The following is an entry in ClinVar:

ClinVar aggregate classification (germline): Uncertain significance (1 of 4 stars; one submission).

gnomAD v4.1: 5 of 1,482,638 alleles (0.00034%); highest among the groups gnomAD compares: African/African-American, 0.0014%; no homozygotes.

Submission:

Labcorp Genetics (formerly Invitae), Labcorp
Classification: Uncertain significance. Last evaluated: 2025-04-09. Review status: criteria provided, single submitter. Criteria: Invitae Variant Classification Sherloc (09022015). Collection method: clinical testing. Allele origin: germline.
Comment: This sequence change replaces threonine, which is neutral and polar, with isoleucine, which is neutral and non-polar, at codon 2 of the PLOD3 protein (p.Thr2Ile). This variant is not present in population databases (gnomAD no frequency). This variant has not been reported in the literature in individuals affected with PLOD3-related conditions. Experimental studies and prediction algorithms are not available or were not evaluated, and the functional significance of this variant is currently unknown. In summary, the available evidence is currently insufficient to determine the role of this variant in disease. Therefore, it has been classified as a Variant of Uncertain Significance.

NM_001084.5(PLOD3):c.5C>T (p.Thr2Ile)

Gene: PLOD3 (procollagen-lysine,2-oxoglutarate 5-dioxygenase 3; minus strand). Cytogenetic location: 7q22.1.
Variant type: single nucleotide variant.
Coding change: c.5C>T on transcript NM_001084.5 (MANE Select); coding-DNA position 5, C replaced by T.
Protein change: p.Thr2Ile; replaces threonine 2 with isoleucine.
Molecular consequence: missense variant.
Genome position (GRCh38, 1-based): chr7:101,217,270, G>A on the plus strand (C>T on the coding strand, the complement: PLOD3 is on the minus strand). VCF-style: chr7-101217270-G-A. GRCh37 (hg19) VCF-style: chr7-100860551-G-A.
Other names: short protein forms T2I.
Identifiers: ClinVar variation 4768556 (VCV004768556.1).
Genomic context (GRCh38, chr7:101,217,270, plus strand): 5'-GCCGCAGGGGGCAGCAGCAGCGGCAGCAGCAGCAGGAACCGGGGTCCAGGCCCCGAGGAG[G>A]TCATGGTGGGGAGCGGGCCCAGACAGCACCCAGGATCCTGGGATCTCCGCTACGCGCCTG-3'
Protein context (NP_001075.1, residues 1-12): M[Thr2Ile]SSGPGPRFLL